The following is an entry in ClinVar:

NM_001370658.1(BTD):c.1535C>T (p.Thr512Met)

Gene: BTD (biotinidase; plus strand). Cytogenetic location: 3p25.1.
Variant type: single nucleotide variant.
Coding change: c.1535C>T on transcript NM_001370658.1 (MANE Select); coding-DNA position 1535, C replaced by T.
Protein change: p.Thr512Met; replaces threonine 512 with methionine.
Molecular consequence: missense variant. On other transcripts: intron variant (2).
Genome position (GRCh38, 1-based): chr3:15,645,451, C>T. VCF-style: chr3-15645451-C-T. GRCh37 (hg19) VCF-style: chr3-15686958-C-T.
Other names: T532M; p.T532M:ACG>ATG; c.1535C>T, p.Thr512Met (NM_001407368.1, NM_001407369.1, NM_001407370.1 and 16 more transcripts); c.1595C>T, p.Thr532Met (NM_000060.4); c.1015+520C>T (NM_001370752.1); c.399+3394C>T (NM_001370753.1); short protein forms T512M.
Identifiers: ClinVar variation 1897 (VCV000001897.73), dbSNP rs104893688, ClinGen allele CA278009.

ClinVar aggregate classification (germline): Pathogenic/Likely pathogenic. Review status: criteria provided, multiple submitters, no conflicts (2 of 4 stars). 26 submissions from 26 submitters: Pathogenic (21); Likely pathogenic (1). 4 of the submissions do not count toward it. Last evaluated 2026-09-21.

Conditions:
BTD-related disorder. Also called: BTD-related condition.
Inborn genetic diseases. Identifiers: MedGen C0950123, MeSH D030342.
Biotinidase deficiency. Also called: Biotin deficiency; BTD deficiency; Late-onset biotin-responsive multiple carboxylase deficiency. Identifiers: Orphanet 79241, MedGen C0220754, MONDO:0009665, OMIM 253260.

Allele frequency attached by ClinVar (database versions not stated): gnomAD exomes 0.00007 and 0.00011; TOPMed 0.00007; gnomAD 0.00010; 1000 Genomes Project 0.00020; 1000 Genomes Project 30x 0.00031; ExAC 0.00005.
gnomAD v4.1: 186 of 1,611,856 alleles (0.012%); highest among the groups gnomAD compares: Middle Eastern, 0.017%; no homozygotes.

Submissions 1 to 14 of 26:

PreventionGenetics, part of Exact Sciences
Classification: Pathogenic for BTD-related condition. Last evaluated: 2026-09-21. Review status: criteria provided, single submitter. Criteria: ACMG Guidelines, 2015. Collection method: clinical testing. Allele origin: germline.
Comment: The BTD c.1595C>T variant is predicted to result in the amino acid substitution p.Thr532Met. This variant, also known as c.1535C>T (p.Thr512Met) in an alternate transcript (NM_001370658.1), has been reported, in the homozygous state or in the heterozygous state along with a second potentially causative variant in the same gene, in individuals with biotinidase deficiency (Norrgard et al. 1999. PubMed ID: 10400129; László et al. 2003. PubMed ID: 14707518; Wolf et al. 2005. PubMed ID: 15776412; Wolf. 2017. PubMed ID: 27657684; Carvalho et al. 2019. PubMed ID: 30912303). This variant has been interpreted as pathogenic by multiple labs in the ClinVar database (Variation ID: 1897). This variant is reported in 0.015% of alleles in individuals of European (Non-Finnish) descent in gnomAD. This variant is interpreted as pathogenic.

Natera, Inc.
Classification: Pathogenic for Biotinidase deficiency. Last evaluated: 2026-01-14. Review status: criteria provided, single submitter. Criteria: Natera Variant Classification Schema (03/2026). Collection method: clinical testing. Allele origin: germline.
Comment: The c.1535C>T variant in BTD is a missense variant predicted to cause substitution of threonine to methionine at amino acid 512. This variant is rare in the general population with a frequency below the threshold expected for the associated phenotype(s). This variant has been observed in one or more individuals affected with the associated recessive disease, as either homozygous or compound heterozygous with a second variant (PMID: 38141137). Computational prediction algorithms indicate this variant is likely to affect gene or protein function. Given the available evidence, this variant is classified as Pathogenic.

Labcorp Genetics (formerly Invitae), Labcorp
Classification: Pathogenic for Biotinidase deficiency. Last evaluated: 2026-01-06. Review status: criteria provided, single submitter. Criteria: Invitae Variant Classification Sherloc (09022015). Collection method: clinical testing. Allele origin: germline.
Comment: This sequence change replaces threonine, which is neutral and polar, with methionine, which is neutral and non-polar, at codon 532 of the BTD protein (p.Thr532Met). This variant is present in population databases (rs104893688, gnomAD 0.02%). This missense change has been observed in individual(s) with biotinidase deficiency (PMID: 9654207, 10400129, 10801053, 21752405, 22011816, 22698809, 27657684). In at least one individual the data is consistent with being in trans (on the opposite chromosome) from a pathogenic variant. It is commonly reported in individuals of Mediterranean ancestry (PMID: 9654207, 10400129, 10801053, 21752405, 22011816, 22698809, 27657684). ClinVar contains an entry for this variant (Variation ID: 1897). Invitae Evidence Modeling of protein sequence and biophysical properties (such as structural, functional, and spatial information, amino acid conservation, physicochemical variation, residue mobility, and thermodynamic stability) indicates that this missense variant is expected to disrupt BTD protein function with a positive predictive value of 95%. For these reasons, this variant has been classified as Pathogenic.

Dasa
Classification: Pathogenic. Last evaluated: 2025-11-27. Review status: criteria provided, single submitter. Criteria: DASA Assertion Criteria. Collection method: clinical testing. Allele origin: germline.
Comment: NM_001370658.1(BTD):c.1535C>T (p.Thr512Met) is a missense variant that results in the substitution of threonine with methionine. This variant has been observed in affected individuals with related phenotype in a genotype context consistent with recessive disease (PMID: 20224900; PMID: 10801053; PMID: 25423671; PMID: 27329734). Functional evidence supports a deleterious effect on the gene or gene product (PMID: 20224900; PMID: 10801053; PMID: 25423671; PMID: 27329734). This variant has been recurrently observed in individuals with related phenotype (PMID: 20224900; PMID: 10801053; PMID: 25423671; PMID: 27329734). Multiple computational predictions support a deleterious effect on the gene or gene product. The variant is present at low frequency in population datasets. Based on the available data, this variant is classified as pathogenic.

Quest Diagnostics Nichols Institute San Juan Capistrano
Classification: Pathogenic. Last evaluated: 2025-10-14. Review status: criteria provided, single submitter. Criteria: Quest Diagnostics criteria. Collection method: clinical testing. Allele origin: unknown.
Comment: The BTD c.1595C>T (p.Thr532Met) variant has been reported in the published literature in individuals with profound Biotinidase deficiency (PMIDs: 11313766 (2001), 14707518 (2003) 20224900 (2010), 22698809 (2012), 25423671 (2015), 27657684 (2017). 30912303 (2019), 33312878 (2020, and 35195902 (2022)). The frequency of this variant in the general population (Genome Aggregation Database) is uninformative in the assessment of its pathogenicity. Analysis of this variant using bioinformatics tools for the prediction of the effect of amino acid changes on protein structure and function yielded predictions that this variant is damaging. Based on the available information, this variant is classified as pathogenic.

Institute of Human Genetics, University of Leipzig Medical Center
Classification: Pathogenic for Biotinidase deficiency. Last evaluated: 2025-09-17. Review status: criteria provided, single submitter. Criteria: ACMG Guidelines, 2015. Collection method: clinical testing. Allele origin: unknown. Inheritance: Autosomal recessive inheritance. Affected: yes.
Comment: Criteria applied: PM3_VSTR,PM2,PP3

Dubai Health Genomic Medicine Center, Dubai Health
Classification: Likely pathogenic for Biotinidase deficiency. Last evaluated: 2024-10-04. Review status: criteria provided, single submitter. Criteria: ACMG Guidelines, 2015. Collection method: research. Allele origin: germline. Affected: yes.
Comment: PM3 (very strong),PM2,PP3,PM1,PP4

Blueprint Genetics
Classification: Pathogenic for BTD-related disorders. Last evaluated: 2024-08-23. Review status: criteria provided, single submitter. Criteria: ACMG Guidelines, 2015. Collection method: clinical testing. Allele origin: germline. Affected: yes. Observed: 5 variant alleles.

Revvity Omics, Revvity
Classification: Pathogenic for Biotinidase deficiency. Last evaluated: 2024-06-19. Review status: criteria provided, single submitter. Criteria: ACMG Guidelines, 2015. Collection method: clinical testing. Allele origin: germline.

Ambry Genetics
Classification: Pathogenic for Inborn genetic diseases. Last evaluated: 2024-05-13. Review status: criteria provided, single submitter. Criteria: Ambry Variant Classification Scheme 2023. Collection method: clinical testing. Allele origin: germline.
Comment: The c.1595C>T (p.T532M) alteration is located in exon 4 (coding exon 4) of the BTD gene. This alteration results from a C to T substitution at nucleotide position 1595, causing the threonine (T) at amino acid position 532 to be replaced by a methionine (M). Based on data from gnomAD, the T allele has an overall frequency of 0.008% (22/276796) total alleles studied. The highest observed frequency was 0.015% (19/125972) of European (non-Finnish) alleles. This variant has been identified in the homozygous state and in conjunction with other BTD variants in many individuals with features consistent with biotinidase deficiency; in at least one instance, the variants were identified in trans (Forny, 2022; Funghini, 2020; Wolf, 2017; Wiltink, 2016; Lara, 2015; Ohlsson, 2010; Pomponio, 2000; Norrgard, 1999; Swango, 1998). This amino acid position is highly conserved in available vertebrate species. This alteration is predicted to be deleterious by in silico analysis. Based on the available evidence, this alteration is classified as pathogenic.

Baylor Genetics
Classification: Pathogenic for Biotinidase deficiency. Last evaluated: 2024-03-30. Review status: criteria provided, single submitter. Criteria: ACMG Guidelines, 2015. Collection method: clinical testing. Allele origin: unknown.

Genomic Medicine Center of Excellence, King Faisal Specialist Hospital and Research Centre
Classification: Pathogenic for Biotinidase deficiency. Last evaluated: 2024-03-17. Review status: criteria provided, single submitter. Criteria: ACMG Guidelines, 2015. Collection method: research. Allele origin: germline.

CeGaT Center for Human Genetics Tuebingen
Classification: Pathogenic. Last evaluated: 2023-11-01. Review status: criteria provided, single submitter. Criteria: CeGaT Center For Human Genetics Tuebingen Variant Classification Criteria Version 2. Collection method: clinical testing. Allele origin: germline. Affected: yes. Observed: 2 variant alleles.
Comment: BTD: PM3:Very Strong, PM2, PS3:Supporting

GeneDx
Classification: Pathogenic. Last evaluated: 2022-08-09. Review status: criteria provided, single submitter. Criteria: GeneDx Variant Classification Process June 2021. Collection method: clinical testing. Allele origin: germline. Affected: yes.
Comment: In silico analysis, which includes protein predictors and evolutionary conservation, supports a deleterious effect; Also known as p.(T532M); This variant is associated with the following publications: (PMID: 26361991, 26810761, 27657684, 26589311, 25754625, 14707518, 25174816, 12227467, 22698809, 9654207, 10801053, 30912303, 34426522, 35805799, 10400129)